The following is an entry in ClinVar:

ClinVar aggregate classification (germline): Pathogenic. Review status: criteria provided, multiple submitters, no conflicts (2 of 4 stars). 18 submissions from 18 submitters: Pathogenic (13). 5 of the submissions do not count toward it. Last evaluated 2026-01-08.

Conditions:
Hb SS disease (SCD). Also called: Hemoglobin SS; Sickle cell anemia; Sickle cell disease; HbS disease; Hemoglobin S Disease; Sickling disorder due to hemoglobin S. Identifiers: Orphanet 232, Orphanet 275752, MedGen C0002895, MONDO:0011382, OMIM 603903.
Heinz body anemia. Also called: Heinz body hemolytic anemia. Identifiers: Orphanet 178330, MedGen C0700299, MONDO:0007705, OMIM 140700, HP:0005511.
Dominant beta-thalassemia. Also called: Beta-thalassemia, dominant inclusion body type. Identifiers: Orphanet 231226, Orphanet 848, MedGen C1858990, MONDO:0011381, OMIM 603902.
Beta-thalassemia HBB/LCRB. Identifiers: MedGen CN322236, MONDO:0013517, OMIM 613985.
Erythrocytosis, familial, 6. Also called: POLYCYTHEMIA, BETA-GLOBIN TYPE; ERYTHROCYTOSIS, BETA-GLOBIN TYPE. Identifiers: MedGen C4693822, MONDO:0054801, OMIM 617980.
METHEMOGLOBINEMIA, BETA TYPE. Also called: Methemoglobinemia, beta-globin type. Identifiers: MedGen C1840779, OMIM 617971.
Malaria, susceptibility to. Identifiers: Orphanet 673, MedGen C1970028, MONDO:0021024, OMIM 611162.
Hereditary persistence of fetal hemoglobin. Identifiers: MedGen C0019025, MONDO:0020989, OMIM 141749.
HBB-related disorder. Also called: HBB-related disorders; HBB-related condition. Identifiers: MedGen CN239378.
beta Thalassemia (BTHAL). Also called: Cooley's anemia; Erythroblastic anemia; Mediterranean anemia. Identifiers: Orphanet 848, MedGen C0005283, MONDO:0019402. Disease mechanism: loss of function.
BETA-PLUS-THALASSEMIA. Identifiers: MedGen C3841475.

Allele frequency attached by ClinVar (database versions not stated): TOPMed 0.00006; gnomAD 0.00003.

Submissions 1 to 12 of 18:

Dasa
Classification: Pathogenic. Last evaluated: 2026-01-08. Review status: criteria provided, single submitter. Criteria: DASA Assertion Criteria. Collection method: clinical testing. Allele origin: germline.
Comment: NM_000518.5(HBB):c.-151C>T affects a canonical splice site and is predicted to disrupt normal RNA splicing, leading to loss of normal protein function. Loss-of-function is an established mechanism of disease for this gene. Functional evidence supports a deleterious effect on the gene or gene product (PMID: 18603555; PMID: 27351925; PMID: 11857746; PMID: 7683931; PMID: 7909640). This variant has been recurrently observed in individuals with related phenotype (PMID: 18603555; PMID: 27351925; PMID: 11857746; PMID: 7683931; PMID: 7909640). Segregation evidence has been reported in affected families. The variant is present at low frequency in population datasets. Based on the available data, this variant is classified as pathogenic.

Natera, Inc.
Classification: Pathogenic for Beta thalassemia. Last evaluated: 2025-12-13. Review status: criteria provided, single submitter. Criteria: Natera Variant Classification Schema (03/2026). Collection method: clinical testing. Allele origin: germline.
Comment: The c.-151C>T variant in HBB, also known as NC_000011.10:g.5227172G>A, is a 5' untranslated region (UTR) variant located upstream of the translation start codon. This variant is rare in the general population with a frequency below the threshold expected for the associated phenotype(s). This variant has been observed in one or more individuals affected with the associated recessive disease, as either homozygous or compound heterozygous with a second variant (PMID: 33851260). Given the available evidence, this variant is classified as Pathogenic.

PreventionGenetics, part of Exact Sciences
Classification: Pathogenic for HBB-related condition. Last evaluated: 2025-11-26. Review status: criteria provided, single submitter. Criteria: ACMG Guidelines, 2015. Collection method: clinical testing. Allele origin: germline.
Comment: The HBB c.-151C>T variant is located in the 5' untranslated region. This variant, also referred to as c.-101C>T using legacy nomenclature, is predicted to disrupt the CACCC promoter motif and has been reported to be causative for beta-thalassemia in the presence of a second pathogenic allele (see for examples, Gonzalez-Redondo et al. 1989. PubMed ID: 2713503; Rund et al. 1997. PubMed ID: 8980256; Ristaldi et al. 1999. PubMed ID: 10575515). This variant is reported in 0.0065% of alleles in individuals of European (non-Finnish) descent in gnomAD. This variant is interpreted as pathogenic.

ARUP Laboratories, Molecular Genetics and Genomics, ARUP Laboratories
Classification: Pathogenic. Last evaluated: 2025-05-23. Review status: criteria provided, single submitter. Criteria: ARUP Molecular Germline Variant Investigation Process 2024. Collection method: clinical testing. Allele origin: germline.
Comment: The HBB c.-151C>T variant (rs63751208, HbVar ID: 649), also known as -101C>T, is associated with silent beta thalassemia in heterozygous carriers and has been described in individuals with a mild form of thalassemia intermedia who were compound heterozygous with a severe beta thalassemia variant (Gonzalez-Redondo 1989, Ristaldi 1990, Rund 1997, see HbVar and references therein). This variant is also reported in ClinVar (Variation ID: 15461). It is only observed on one allele in the Genome Aggregation Database, indicating it is not a common polymorphism. This variant is located in a conserved region of the beta globin gene promoter and is considered to be pathogenic. References: Link to HbVar database: Gonzalez-Redondo JM et al. A C----T substitution at nt--101 in a conserved DNA sequence of the promotor region of the beta-globin gene is associated with "silent" beta-thalassemia. Blood. 1989 May 1;73(6):1705-11. PMID: 2713503 Ristaldi MS et al. The C-T substitution in the distal CACCC box of the beta-globin gene promoter is a common cause of silent beta thalassaemia in the Italian population. Br J Haematol. 1990 Apr;74(4):480-6. PMID: 2346726 Rund D et al. Genetic analysis of beta-thalassemia intermedia in Israel: diversity of mechanisms and unpredictability of phenotype. Am J Hematol. 1997 Jan;54(1):16-22. PMID: 8980256

Blueprint Genetics
Classification: Pathogenic for HBB-related disorders. Last evaluated: 2024-10-18. Review status: criteria provided, single submitter. Criteria: ACMG Guidelines, 2015. Collection method: clinical testing. Allele origin: germline. Affected: yes. Observed: 5 variant alleles.

Quest Diagnostics Nichols Institute San Juan Capistrano
Classification: Pathogenic. Last evaluated: 2024-08-22. Review status: criteria provided, single submitter. Criteria: Quest Diagnostics criteria. Collection method: clinical testing. Allele origin: unknown.
Comment: The HBB c.-151C>T variant (also known as -101C>T) has been reported in the homozygous and compound heterozygous state in individuals with beta-thalassemia intermedia (PMID: 30820323 (2019), 10606872 (1999), 2346726 (1990)). A functional study indicate this variant results in reduced HBB promoter activity (PMID: 2713503 (1989)). The frequency of this variant in the general population, 0.000032 (1/31400 chromosomes (Genome Aggregation Database)), is uninformative in the assessment of its pathogenicity. Based on the available information, this variant is classified as pathogenic.

Fulgent Genetics
Classification: Pathogenic for Heinz body anemia; Hereditary persistence of fetal hemoglobin; Dominant beta-thalassemia; Hb SS disease; Malaria, susceptibility to; Beta-thalassemia HBB/LCRB; METHEMOGLOBINEMIA, BETA TYPE; Erythrocytosis, familial, 6. Last evaluated: 2024-04-15. Review status: criteria provided, single submitter. Criteria: ACMG Guidelines, 2015. Collection method: clinical testing. Allele origin: germline.

Labcorp Genetics (formerly Invitae), Labcorp
Classification: Pathogenic. Last evaluated: 2024-03-17. Review status: criteria provided, single submitter. Criteria: Invitae Variant Classification Sherloc (09022015). Collection method: clinical testing. Allele origin: germline.
Comment: This variant occurs in a non-coding region of the HBB gene. It does not change the encoded amino acid sequence of the HBB protein. This variant is present in population databases (rs63751208, gnomAD 0.007%). This variant has been observed in individuals with HBB-related conditions, usually co-occurring with another severe beta-thalassemia variant (PMID: 2001456, 2713503, 10606872). It has also been observed to segregate with disease in related individuals. Of note, one homozygous individual was reported with beta-thalassemia intermedia (PMID: 30820323). This variant is also known as -101C>T. Studies have shown that this variant alters HBB gene expression (PMID: 2713503). For these reasons, this variant has been classified as Pathogenic.

Laboratory of Medical Genetics, National & Kapodistrian University of Athens
Classification: Pathogenic for Beta-thalassemia HBB/LCRB. Last evaluated: 2024-02-01. Review status: criteria provided, single submitter. Criteria: ACMG Guidelines, 2015. Collection method: curation. Allele origin: germline. Affected: no.

Laboratory for Molecular Medicine, Mass General Brigham Personalized Medicine
Classification: Pathogenic for beta Thalassemia. Last evaluated: 2022-11-03. Review status: criteria provided, single submitter. Criteria: ACMG Guidelines, 2015. Collection method: clinical testing. Allele origin: germline.
Comment: The c.-151C>T variant in HBB, also known as -101C>T, has been reported in the compound heterozygous state with a severe beta thalassemia variant in numerous individuals with a mild form of thalassemia intermedia. It is the most common silent beta-thalassemia variant among individuals of Mediterranean descent (Gonzalez-Redondo 1989 PMID: 2713503, Ristaldi 1990 PMID: 2346726, Rund 1997 PMID: 8980256, HbVar, Maragoudaki 1999 PMID: 10606872). It has also been reported in ClinVar (Variation ID 15461) and has been identified in 10/68034 European chromosomes by gnomAD. This variant occurs in the beta-globin promoter, and in vitro functional studies support an impact on promoter activity (Gonzalez-Redondo 1989 PMID: 2713503). In summary, this variant meets criteria to be classified as pathogenic for autosomal recessive beta thalassemia. ACMG/AMP Criteria applied: PM2_Supporting, PS4, PM1.

GeneDx
Classification: Pathogenic. Last evaluated: 2022-09-15. Review status: criteria provided, single submitter. Criteria: GeneDx Variant Classification Process June 2021. Collection method: clinical testing. Allele origin: germline. Affected: yes.
Comment: Published functional studies demonstrate a significant loss of function (Gonzalez-Redondo et al., 1989); Not observed at significant frequency in large population cohorts (gnomAD); Reported as the most common silent beta-thalassemia variant among individuals of Mediterranean background (Maragoudaki et al., 1999); This variant is associated with the following publications: (PMID: 2001456, 7683931, 2346726, 25910213, 2713503, 7909640, 26202972, 28385923, 31395865, 34426522, 10606872)

Revvity Omics, Revvity
Classification: Pathogenic. Last evaluated: 2021-06-18. Review status: criteria provided, single submitter. Criteria: ACMG Guidelines, 2015. Collection method: clinical testing. Allele origin: germline.

NC_000011.10:g.5227172G>A

Genes: HBB (hemoglobin subunit beta; minus strand), LOC106099062 (HBB recombination region; plus strand), LOC107133510 (origin of replication at HBB; plus strand). Cytogenetic location: 11p15.4.
Variant type: single nucleotide variant.
Genome position: GRCh38 VCF-style: chr11-5227172-G-A. GRCh37 (hg19) VCF-style: chr11-5248402-G-A.
Other names: -101C>T; -101C-T, PROMOTER; c.-151C>T (NM_000518.5).
Identifiers: ClinVar variation 15461 (VCV000015461.52), dbSNP rs63751208, ClinGen allele CA125321.